The following is an entry in ClinVar:

ClinVar aggregate classification (germline): Uncertain significance (1 of 4 stars; one submission).

Conditions:
Jeune thoracic dystrophy. Also called: Short-rib thoracic dysplasia; Jeune syndrome; Infantile thoracic dystrophy; Thoracic pelvic phalangeal dystrophy; Jeune's syndrome; Chondroectodermal dysplasia-like syndrome. Identifiers: Orphanet 474, MedGen C0265275, MONDO:0018770.

Submission:

Labcorp Genetics (formerly Invitae), Labcorp
Classification: Uncertain significance for Jeune thoracic dystrophy. Last evaluated: 2026-01-05. Review status: criteria provided, single submitter. Criteria: Invitae Variant Classification Sherloc (09022015). Collection method: clinical testing. Allele origin: germline.
Comment: This sequence change replaces serine, which is neutral and polar, with cysteine, which is neutral and slightly polar, at codon 3491 of the DYNC2H1 protein (p.Ser3491Cys). This variant is not present in population databases (gnomAD no frequency). This variant has not been reported in the literature in individuals affected with DYNC2H1-related conditions. ClinVar contains an entry for this variant (Variation ID: 1714768). Invitae Evidence Modeling of protein sequence and biophysical properties (such as structural, functional, and spatial information, amino acid conservation, physicochemical variation, residue mobility, and thermodynamic stability) indicates that this missense variant is not expected to disrupt DYNC2H1 protein function with a negative predictive value of 95%. In summary, the available evidence is currently insufficient to determine the role of this variant in disease. Therefore, it has been classified as a Variant of Uncertain Significance.

NM_001377.3(DYNC2H1):c.10451C>G (p.Ser3484Cys)

Gene: DYNC2H1 (dynein cytoplasmic 2 heavy chain 1; plus strand). Cytogenetic location: 11q22.3.
Variant type: single nucleotide variant.
Coding change: c.10451C>G on transcript NM_001377.3 (MANE Select); coding-DNA position 10451, C replaced by G.
Protein change: p.Ser3484Cys; replaces serine 3484 with cysteine.
Molecular consequence: missense variant.
Genome position (GRCh38, 1-based): chr11:103,256,230, C>G. VCF-style: chr11-103256230-C-G. GRCh37 (hg19) VCF-style: chr11-103126959-C-G.
Other names: c.10472C>G, p.Ser3491Cys (NM_001080463.2); short protein forms S3484C, S3491C.
Identifiers: ClinVar variation 1714768 (VCV001714768.5), dbSNP rs2496645611, ClinGen allele CA382249743.